The following is an entry in ClinVar:

ClinVar aggregate classification (germline): Uncertain significance (1 of 4 stars; one submission).

Conditions:
Congenital factor V deficiency. Also called: LABILE FACTOR DEFICIENCY; OWREN PARAHEMOPHILIA; PARAHEMOPHILIA; Hereditary factor V deficiency disease. Identifiers: Orphanet 326, MedGen C0015499, MONDO:0009210, OMIM 227400.

Submission:

Labcorp Genetics (formerly Invitae), Labcorp
Classification: Uncertain significance for Congenital factor V deficiency. Last evaluated: 2026-01-13. Review status: criteria provided, single submitter. Criteria: Invitae Variant Classification Sherloc (09022015). Collection method: clinical testing. Allele origin: germline.
Comment: This sequence change replaces glutamine, which is neutral and polar, with histidine, which is basic and polar, at codon 802 of the F5 protein (p.Gln802His). This variant is not present in population databases (gnomAD no frequency). This variant has not been reported in the literature in individuals affected with F5-related conditions. Invitae Evidence Modeling of protein sequence and biophysical properties (such as structural, functional, and spatial information, amino acid conservation, physicochemical variation, residue mobility, and thermodynamic stability) indicates that this missense variant is not expected to disrupt F5 protein function with a negative predictive value of 80%. In summary, the available evidence is currently insufficient to determine the role of this variant in disease. Therefore, it has been classified as a Variant of Uncertain Significance.

NM_000130.5(F5):c.2406A>C (p.Gln802His)

Gene: F5 (coagulation factor V; minus strand). Cytogenetic location: 1q24.2.
Variant type: single nucleotide variant.
Coding change: c.2406A>C on transcript NM_000130.5 (MANE Select); coding-DNA position 2406, A replaced by C.
Protein change: p.Gln802His; replaces glutamine 802 with histidine.
Molecular consequence: missense variant.
Genome position (GRCh38, 1-based): chr1:169,542,684, T>G on the plus strand (A>C on the coding strand, the complement: F5 is on the minus strand). VCF-style: chr1-169542684-T-G. GRCh37 (hg19) VCF-style: chr1-169511922-T-G.
Other names: short protein forms Q802H.
Identifiers: ClinVar variation 4746188 (VCV004746188.1).
Genomic context (GRCh38, chr1:169,542,684, plus strand): 5'-AGAATTGAGAACTGAGTTCTTGCCAATGAGGTGTCTCAGTGGGGAACCAGCTGTGGTGGC[T>G]TGTTGGTGAGAAGGGGCTTTCTGAGGTTCTGCAAGGTTATTGACAGTGAACTTACTAATA-3'
Protein context (NP_000121.2, residues 792-812): AEPQKAPSHQ[Gln802His]ATTAGSPLRH